The following is an entry in ClinVar:

NM_001378454.1(ALMS1):c.11778_11794delinsC (p.Ser3927fs)

Gene: ALMS1 (ALMS1 centrosome and basal body associated protein; plus strand). Cytogenetic location: 2p13.1.
Variant type: Indel.
Coding change: c.11778_11794delinsC on transcript NM_001378454.1 (MANE Select); coding-DNA positions 11778 to 11794, TTCTTGGTCAGAAGAAA replaced by C.
Protein change: p.Ser3927fs; shifts the reading frame from serine 3927.
Molecular consequence: frameshift variant.
Genome position (GRCh38, 1-based): chr2:73,600,787-73,600,803, TTCTTGGTCAGAAGAAA replaced by C. VCF-style: chr2-73600787-TTCTTGGTCAGAAGAAA-C. GRCh37 (hg19) VCF-style: chr2-73827914-TTCTTGGTCAGAAGAAA-C.
Other names: c.11781_11797delinsC, p.Ser3928fs (NM_015120.4); short protein forms S3927fs, S3928fs.
Identifiers: ClinVar variation 4815762 (VCV004815762.1).

ClinVar aggregate classification (germline): Likely pathogenic (1 of 4 stars; one submission).

Conditions:
Alstrom syndrome (ALMS). Identifiers: Orphanet 64, MedGen C0268425, MONDO:0008763, OMIM 203800.

Submission:

Natera, Inc.
Classification: Likely pathogenic for Alstrom syndrome. Last evaluated: 2024-09-18. Review status: criteria provided, single submitter. Criteria: Natera Variant Classification Schema (03/2026). Collection method: clinical testing. Allele origin: germline.
Comment: The c.11781_11797delinsC variant in ALMS1 is a frameshift variant predicted to shift the reading frame beginning at codon 3928 and leads to a stop codon 17 codons downstream. This variant is expected to result in nonsense mediated decay, truncation, or a dysfunctional protein product. This variant is rare in the general population with a frequency below the threshold expected for the associated phenotype(s). Given the available evidence, this variant is classified as Likely Pathogenic.